The following is an entry in ClinVar:

ClinVar aggregate classification (germline): Uncertain significance (1 of 4 stars; one submission).

Conditions:
DYRK1B-related disorder. Also called: DYRK1B-related condition.

gnomAD v4.1: 4 of 1,613,302 alleles (0.00025%); highest among the groups gnomAD compares: Non-Finnish European, 0.00034%; no homozygotes.

Submission:

PreventionGenetics, part of Exact Sciences
Classification: Uncertain significance for DYRK1B-related condition. Last evaluated: 2024-12-17. Review status: criteria provided, single submitter. Criteria: ACMG Guidelines, 2015. Collection method: clinical testing. Allele origin: germline.
Comment: The DYRK1B c.517A>G variant is predicted to result in the amino acid substitution p.Ile173Val. To our knowledge, this variant has not been reported in the literature. This variant is reported in 0.0062% of alleles in individuals of African descent in gnomAD. At this time, the clinical significance of this variant is uncertain due to the absence of conclusive functional and genetic evidence.

NM_004714.3(DYRK1B):c.517A>G (p.Ile173Val)

Gene: DYRK1B (dual specificity tyrosine phosphorylation regulated kinase 1B; minus strand). Cytogenetic location: 19q13.2.
Variant type: single nucleotide variant.
Coding change: c.517A>G on transcript NM_004714.3 (MANE Select); coding-DNA position 517, A replaced by G.
Protein change: p.Ile173Val; replaces isoleucine 173 with valine.
Molecular consequence: missense variant.
Genome position (GRCh38, 1-based): chr19:39,829,883, T>C on the plus strand (A>G on the coding strand, the complement: DYRK1B is on the minus strand). VCF-style: chr19-39829883-T-C. GRCh37 (hg19) VCF-style: chr19-40320523-T-C.
Other names: c.517A>G, p.Ile173Val (NM_006483.3, NM_006484.3); short protein forms I173V.
Identifiers: ClinVar variation 5002415 (VCV005002415.1).